The following is an entry in ClinVar:

ClinVar aggregate classification (germline): Uncertain significance (1 of 4 stars; one submission).

Conditions:
Arrhythmogenic right ventricular dysplasia 13. Also called: ARRHYTHMOGENIC RIGHT VENTRICULAR CARDIOMYOPATHY 13; Arrhythmogenic right ventricular dysplasia, familial, 13. Identifiers: MedGen C3810138, MONDO:0000908, OMIM 615616.

gnomAD v4.1: 8 of 1,613,400 alleles (0.0005%); highest among the groups gnomAD compares: Middle Eastern, 0.016%; no homozygotes.

Submission:

Labcorp Genetics (formerly Invitae), Labcorp
Classification: Uncertain significance for Arrhythmogenic right ventricular dysplasia 13. Last evaluated: 2023-02-09. Review status: criteria provided, single submitter. Criteria: Invitae Variant Classification Sherloc (09022015). Collection method: clinical testing. Allele origin: germline.
Comment: This sequence change replaces asparagine, which is neutral and polar, with lysine, which is basic and polar, at codon 699 of the CTNNA3 protein (p.Asn699Lys). This variant is present in population databases (no rsID available, gnomAD 0.006%). This missense change has been observed in individual(s) with CTNNA3-related conditions (PMID: 30975432). Advanced modeling of protein sequence and biophysical properties (such as structural, functional, and spatial information, amino acid conservation, physicochemical variation, residue mobility, and thermodynamic stability) performed at Invitae indicates that this missense variant is expected to disrupt CTNNA3 protein function. In summary, the available evidence is currently insufficient to determine the role of this variant in disease. Therefore, it has been classified as a Variant of Uncertain Significance.

Literature cited by the submitters: PubMed 30975432.

NM_013266.4(CTNNA3):c.2097C>G (p.Asn699Lys)

Gene: CTNNA3 (catenin alpha 3; minus strand). Cytogenetic location: 10q21.3.
Variant type: single nucleotide variant.
Coding change: c.2097C>G on transcript NM_013266.4 (MANE Select); coding-DNA position 2097, C replaced by G.
Protein change: p.Asn699Lys; replaces asparagine 699 with lysine.
Molecular consequence: missense variant.
Genome position (GRCh38, 1-based): chr10:66,069,370, G>C on the plus strand (C>G on the coding strand, the complement: CTNNA3 is on the minus strand). VCF-style: chr10-66069370-G-C. GRCh37 (hg19) VCF-style: chr10-67829128-G-C.
Other names: c.2097C>G, p.Asn699Lys (NM_001127384.3); short protein forms N699K.
Identifiers: ClinVar variation 2729498 (VCV002729498.3), dbSNP rs142942346, ClinGen allele CA377089588.
Genomic context (GRCh38, chr10:66,069,370, plus strand): 5'-AGTGAAGTCTGTCATCTCCATCATGATCATACACATGTTCTTGGCCAGAACAATGATGTC[G>C]TTGCTTGTATCATCCCATATCTCAATCTCAGCATCCAGCTTACTCTTTACTTTCTTGAAA-3'
Protein context (NP_037398.2, residues 689-709): AEIEIWDDTS[Asn699Lys]DIIVLAKNMC